The following is an entry in ClinVar:

ClinVar aggregate classification (germline): Likely benign. Review status: criteria provided, single submitter (1 of 4 stars). 2 submissions from 2 submitters: Likely benign (1). 1 of the submissions does not count toward it. Last evaluated 2023-04-25.

Conditions:
EXT2-related disorder. Also called: EXT2-related condition.

Allele frequency attached by ClinVar (database versions not stated): gnomAD exomes 0.00004; ExAC 0.00012; 1000 Genomes Project 30x 0.00016; 1000 Genomes Project 0.00020; TOPMed 0.00039; gnomAD 0.00048; ESP Exome Variant Server 0.00054.
gnomAD v4.1: 144 of 1,613,994 alleles (0.0089%); highest among the groups gnomAD compares: African/African-American, 0.15%; no homozygotes.

Submissions (2):

Blueprint Genetics
Classification: Likely benign. Last evaluated: 2023-04-25. Review status: criteria provided, single submitter. Criteria: ACMG Guidelines, 2015. Collection method: clinical testing. Allele origin: germline.

PreventionGenetics, part of Exact Sciences
Classification: Likely benign for EXT2-related condition. Last evaluated: 2021-12-06. Review status: no assertion criteria provided. Collection method: clinical testing. Allele origin: germline. Not counted in ClinVar's aggregate classification.
Comment: This variant is classified as likely benign based on ACMG/AMP sequence variant interpretation guidelines (Richards et al. 2015 PMID: 25741868, with internal and published modifications).

NM_207122.2(EXT2):c.*4G>A

Gene: EXT2 (exostosin glycosyltransferase 2; plus strand). Cytogenetic location: 11p11.2.
Variant type: single nucleotide variant.
Coding change: c.*4G>A on transcript NM_207122.2 (MANE Select); 4 bases downstream of the stop codon, G replaced by A.
Molecular consequence: 3 prime UTR variant.
Genome position (GRCh38, 1-based): chr11:44,244,291, G>A. VCF-style: chr11-44244291-G-A. GRCh37 (hg19) VCF-style: chr11-44265841-G-A.
Other names: c.*4G>A (NM_000401.3, NM_001178083.3, NM_001389628.1 and 1 more transcripts).
Identifiers: ClinVar variation 3036258 (VCV003036258.3), dbSNP rs200718123, ClinGen allele CA5955462.
Genomic context (GRCh38, chr11:44,244,291, plus strand): 5'-TACAAAGATGACTTTCCTGAGAAGCTGAAGAGCTTCCCCAACATTGGCAGCTTATGAAAC[G>A]TGTCATTGGTGGAGGTCTGAATGTGAGGCTGGGACAGAGGGAGAGAACAAGGCCTCCCAG-3'